The following is an entry in ClinVar:

NM_005431.2(XRCC2):c.63_65del (p.Arg21del)

Gene: XRCC2 (X-ray repair cross complementing 2; minus strand). Cytogenetic location: 7q36.1.
Variant type: Deletion.
Coding change: c.63_65del on transcript NM_005431.2 (MANE Select); coding-DNA positions 63 to 65, 3 bases deleted (AAG; older notation c.63_65delAAG).
Protein change: p.Arg21del; deletes arginine 21.
Molecular consequence: inframe deletion.
Genome position (GRCh38, 1-based): chr7:152,660,757-152,660,759, CTT deleted on the plus strand (AAG on the coding strand, the reverse complement: XRCC2 is on the minus strand); deleting any 3 consecutive bases within chr7:152,660,757-152,660,761 gives the same sequence; the c. name uses the placement nearest the transcript's 3' end. VCF-style (leftmost placement, unchanged base first): chr7-152660756-ACTT-A. GRCh37 (hg19) VCF-style: chr7-152357841-ACTT-A.
Other names: short protein forms R21del.
Identifiers: ClinVar variation 1010098 (VCV001010098.8), dbSNP rs756266778, ClinGen allele CA1753257283.

ClinVar aggregate classification (germline): Uncertain significance (1 of 4 stars; one submission).

Submission:

Labcorp Genetics (formerly Invitae), Labcorp
Classification: Uncertain significance. Last evaluated: 2020-09-24. Review status: criteria provided, single submitter. Criteria: Invitae Variant Classification Sherloc (09022015). Collection method: clinical testing. Allele origin: germline.
Comment: This variant is not present in population databases (ExAC no frequency). This variant, c.63_65del, results in the deletion of 1 amino acid(s) of the XRCC2 protein (p.Arg21del), but otherwise preserves the integrity of the reading frame. This variant has not been reported in the literature in individuals with XRCC2-related conditions. In summary, the available evidence is currently insufficient to determine the role of this variant in disease. Therefore, it has been classified as a Variant of Uncertain Significance. Experimental studies and prediction algorithms are not available or were not evaluated, and the functional significance of this variant is currently unknown.